The following is an entry in ClinVar:

ClinVar aggregate classification (germline): Uncertain significance (1 of 4 stars; one submission).

Conditions:
Mitochondrial complex II deficiency, nuclear type 1. Also called: SUCCINATE CoQ REDUCTASE DEFICIENCY. Identifiers: Orphanet 3208, MedGen C5700310, MONDO:0100294, OMIM 252011.
Pheochromocytoma/paraganglioma syndrome 5. Also called: Paragangliomas 5; SDHA-Related Hereditary Paraganglioma-Pheochromocytoma Syndrome. Identifiers: Orphanet 29072, MedGen C3279992, MONDO:0013602, OMIM 614165.

Submission:

Labcorp Genetics (formerly Invitae), Labcorp
Classification: Uncertain significance for Pheochromocytoma/paraganglioma syndrome 5; Mitochondrial complex II deficiency, nuclear type 1. Last evaluated: 2025-02-23. Review status: criteria provided, single submitter. Criteria: Invitae Variant Classification Sherloc (09022015). Collection method: clinical testing. Allele origin: germline.
Comment: This sequence change replaces leucine, which is neutral and non-polar, with proline, which is neutral and non-polar, at codon 18 of the SDHA protein (p.Leu18Pro). This variant is not present in population databases (gnomAD no frequency). This variant has not been reported in the literature in individuals affected with SDHA-related conditions. Invitae Evidence Modeling of protein sequence and biophysical properties (such as structural, functional, and spatial information, amino acid conservation, physicochemical variation, residue mobility, and thermodynamic stability) indicates that this missense variant is not expected to disrupt SDHA protein function with a negative predictive value of 95%. In summary, the available evidence is currently insufficient to determine the role of this variant in disease. Therefore, it has been classified as a Variant of Uncertain Significance.

NM_004168.4(SDHA):c.53T>C (p.Leu18Pro)

Gene: SDHA (succinate dehydrogenase complex flavoprotein subunit A; plus strand). Cytogenetic location: 5p15.33.
Variant type: single nucleotide variant.
Coding change: c.53T>C on transcript NM_004168.4 (MANE Select); coding-DNA position 53, T replaced by C.
Protein change: p.Leu18Pro; replaces leucine 18 with proline.
Molecular consequence: missense variant.
Genome position (GRCh38, 1-based): chr5:218,408, T>C. VCF-style: chr5-218408-T-C. GRCh37 (hg19) VCF-style: chr5-218523-T-C.
Other names: c.53T>C, p.Leu18Pro (NM_001294332.2, NM_001330758.2); short protein forms L18P.
Identifiers: ClinVar variation 4792404 (VCV004792404.1).
Genomic context (GRCh38, chr5:218,408, plus strand): 5'-CAGCAGACATGTCGGGGGTCCGGGGCCTGTCGCGGCTGCTGAGCGCTCGGCGCCTGGCGC[T>C]GGCCAAGGCGGTGAGTCCGTGCCGCGGACCGGGGCGGGGCAGGCGGGGGCCGAGGCGGCG-3'
Protein context (NP_004159.2, residues 8-28): SRLLSARRLA[Leu18Pro]AKAWPTVLQT